The following is an entry in ClinVar:

NM_022132.5(MCCC2):c.653C>T (p.Ala218Val)

Gene: MCCC2 (methylcrotonyl-CoA carboxylase subunit 2; plus strand). Cytogenetic location: 5q13.2.
Variant type: single nucleotide variant.
Coding change: c.653C>T on transcript NM_022132.5 (MANE Select); coding-DNA position 653, C replaced by T.
Protein change: p.Ala218Val; replaces alanine 218 with valine.
Molecular consequence: missense variant. On other transcripts: intron variant (1).
Genome position (GRCh38, 1-based): chr5:71,626,668, C>T. VCF-style: chr5-71626668-C-T. GRCh37 (hg19) VCF-style: chr5-70922495-C-T.
Other names: c.625-5453C>T (NM_001363147.1); short protein forms A218V.
Identifiers: ClinVar variation 575151 (VCV000575151.48), dbSNP rs760420191, ClinGen allele CA3297837.

ClinVar aggregate classification (germline): Likely pathogenic. Review status: criteria provided, multiple submitters, no conflicts (2 of 4 stars). 5 submissions from 5 submitters: Likely pathogenic (5). Last evaluated 2025-10-06.

Conditions:
Methylcrotonyl-CoA carboxylase deficiency. Also called: Deficiency of methylcrotonoyl-CoA carboxylase; 3-MCC Deficiency; 3 Methylcrotonylglycinuria. Identifiers: Orphanet 6, MedGen C4551505, MONDO:0018950.
3-methylcrotonyl-CoA carboxylase 2 deficiency. Also called: METHYLCROTONYLGLYCINURIA, TYPE II; 3 alpha methylcrotonyl-CoA carboxylase 2 deficiency; 3 alpha methylcrotonylglycinuria 2; MCC 2 deficiency; Methylcrotonylglycinuria type 2. Identifiers: Orphanet 6, MedGen C1859499, MONDO:0008862, OMIM 210210.

Allele frequency attached by ClinVar (database versions not stated): TOPMed below 0.00001; gnomAD exomes 0.00002 and 0.00003; ExAC 0.00003.
gnomAD v4.1: 23 of 1,613,980 alleles (0.0014%); highest among the groups gnomAD compares: South Asian, 0.025%; no homozygotes.

Submissions (5):

Natera, Inc.
Classification: Likely pathogenic for 3-methylcrotonyl-CoA carboxylase 2 deficiency. Last evaluated: 2025-10-06. Review status: criteria provided, single submitter. Criteria: Natera Variant Classification Schema (03/2026). Collection method: clinical testing. Allele origin: germline.
Comment: The c.653C>T variant in MCCC2 is a missense variant predicted to cause substitution of alanine to valine at amino acid 218. This variant is rare in the general population with a frequency below the threshold expected for the associated phenotype(s). This variant has been observed in one or more individuals affected with the associated recessive disease, as either homozygous or compound heterozygous with a second variant (PMID: 17968484). A different variant at the same position has been determined to be Pathogenic or Likely Pathogenic. Computational prediction algorithms indicate this variant is likely to affect gene or protein function. Given the available evidence, this variant is classified as Likely Pathogenic.

Labcorp Genetics (formerly Invitae), Labcorp
Classification: Likely pathogenic for 3-methylcrotonyl-CoA carboxylase 2 deficiency. Last evaluated: 2025-08-15. Review status: criteria provided, single submitter. Criteria: Invitae Variant Classification Sherloc (09022015). Collection method: clinical testing. Allele origin: germline.
Comment: This sequence change replaces alanine, which is neutral and non-polar, with valine, which is neutral and non-polar, at codon 218 of the MCCC2 protein (p.Ala218Val). This variant is present in population databases (rs760420191, gnomAD 0.02%). This missense change has been observed in individuals with clinical features of 3-methylcrotonyl-CoA carboxylase deficiency (PMID: 17968484, 22264772; internal data). ClinVar contains an entry for this variant (Variation ID: 575151). Invitae Evidence Modeling of protein sequence and biophysical properties (such as structural, functional, and spatial information, amino acid conservation, physicochemical variation, residue mobility, and thermodynamic stability) indicates that this missense variant is expected to disrupt MCCC2 protein function with a positive predictive value of 80%. This variant disrupts the p.Ala218 amino acid residue in MCCC2. Other variant(s) that disrupt this residue have been determined to be pathogenic (PMID: 22264772; internal data). This suggests that this residue is clinically significant, and that variants that disrupt this residue are likely to be disease-causing. In summary, the currently available evidence indicates that the variant is pathogenic, but additional data are needed to prove that conclusively. Therefore, this variant has been classified as Likely Pathogenic.

Women's Health and Genetics/Laboratory Corporation of America, LabCorp
Classification: Likely pathogenic for Methylcrotonyl-CoA carboxylase deficiency. Last evaluated: 2025-05-30. Review status: criteria provided, single submitter. Criteria: LabCorp Variant Classification Summary - May 2015. Collection method: clinical testing. Allele origin: germline.
Comment: Variant summary: MCCC2 c.653C>T (p.Ala218Val) results in a non-conservative amino acid change located in the Acetyl-coenzyme A carboxyltransferase, N-terminal domain (IPR011762) of the encoded protein sequence. Algorithms developed to predict the effect of missense changes on protein structure and function all suggest that this variant is likely to be disruptive. The variant allele was found at a frequency of 2.8e-05 in 251414 control chromosomes. c.653C>T has been observed in individual(s) affected with Methylcrotonyl-CoA Carboxylase Deficiency (Morscher_2012, Uematsu_2007, internal data). These data indicate that the variant may be associated with disease. To our knowledge, no experimental evidence demonstrating an impact on protein function has been reported. A different variant affecting the same codon has been classified as likely pathogenic (p.A218T), suggesting this codon is critical for protein function. The following publications have been ascertained in the context of this evaluation (PMID: 22642865, 22264772, 17968484). ClinVar contains an entry for this variant (Variation ID: 575151). Based on the evidence outlined above, the variant was classified as likely pathogenic.

CeGaT Center for Human Genetics Tuebingen
Classification: Likely pathogenic. Last evaluated: 2021-09-01. Review status: criteria provided, single submitter. Criteria: CeGaT Center For Human Genetics Tuebingen Variant Classification Criteria Version 2. Collection method: clinical testing. Allele origin: germline. Affected: yes. Observed: 1 variant allele.

GeneDx
Classification: Likely pathogenic. Last evaluated: 2021-04-07. Review status: criteria provided, single submitter. Criteria: GeneDx Variant Classification Process June 2021. Collection method: clinical testing. Allele origin: germline. Affected: yes.
Comment: Missense variants in this gene are often considered pathogenic (Stenson et al., 2014); In silico analysis supports that this missense variant has a deleterious effect on protein structure/function; This variant is associated with the following publications: (PMID: 11170888, 22264772, 22642865, 17968484)

Literature cited by the submitters: PubMed 17968484 (cited by 3 submitters); PubMed 22264772 (cited by Labcorp Genetics (formerly Invitae), Labcorp and Women's Health and Genetics/Laboratory Corporation of America, LabCorp); PubMed 22642865 (cited by Women's Health and Genetics/Laboratory Corporation of America, LabCorp).